The following is an entry in ClinVar:

NM_001365999.1(SZT2):c.595A>G (p.Thr199Ala)

Gene: SZT2 (SZT2 subunit of KICSTOR complex; plus strand). Cytogenetic location: 1p34.2.
Variant type: single nucleotide variant.
Coding change: c.595A>G on transcript NM_001365999.1 (MANE Select); coding-DNA position 595, A replaced by G.
Protein change: p.Thr199Ala; replaces threonine 199 with alanine.
Molecular consequence: missense variant.
Genome position (GRCh38, 1-based): chr1:43,415,178, A>G. VCF-style: chr1-43415178-A-G. GRCh37 (hg19) VCF-style: chr1-43880849-A-G.
Other names: c.595A>G, p.Thr199Ala (NM_015284.4); short protein forms T199A.
Identifiers: ClinVar variation 1054820 (VCV001054820.9), dbSNP rs536696783, ClinGen allele CA21625889.

ClinVar aggregate classification (germline): Uncertain significance (1 of 4 stars; one submission).

Allele frequency attached by ClinVar (database versions not stated): gnomAD exomes below 0.00001; gnomAD 0.00001; 1000 Genomes Project 30x 0.00016; 1000 Genomes Project 0.00020.
gnomAD v4.1: 3 of 1,598,072 alleles (0.00019%); highest among the groups gnomAD compares: South Asian, 0.0022%; no homozygotes.

Submission:

Labcorp Genetics (formerly Invitae), Labcorp
Classification: Uncertain significance. Last evaluated: 2020-01-22. Review status: criteria provided, single submitter. Criteria: Invitae Variant Classification Sherloc (09022015). Collection method: clinical testing. Allele origin: germline.
Comment: This sequence change replaces threonine with alanine at codon 199 of the SZT2 protein (p.Thr199Ala). The threonine residue is weakly conserved and there is a small physicochemical difference between threonine and alanine. This variant is not present in population databases (ExAC no frequency). This variant has not been reported in the literature in individuals with SZT2-related conditions. Algorithms developed to predict the effect of missense changes on protein structure and function output the following: SIFT: "Deleterious"; PolyPhen-2: "Benign"; Align-GVGD: "Class C0". The alanine amino acid residue is found in multiple mammalian species, suggesting that this missense change does not adversely affect protein function. These predictions have not been confirmed by published functional studies and their clinical significance is uncertain. In summary, the available evidence is currently insufficient to determine the role of this variant in disease. Therefore, it has been classified as a Variant of Uncertain Significance.